The following is an entry in ClinVar:

NM_001032382.2(PQBP1):c.623_624del (p.Ser208fs)

Gene: PQBP1 (polyglutamine binding protein 1; plus strand). Cytogenetic location: Xp11.23.
Variant type: Deletion.
Coding change: c.623_624del on transcript NM_001032382.2 (MANE Select); coding-DNA positions 623 to 624, 2 bases deleted (CA; older notation c.623_624delCA).
Protein change: p.Ser208fs; shifts the reading frame from serine 208.
Molecular consequence: frameshift variant.
Genome position (GRCh38, 1-based): chrX:48,902,777-48,902,778, CA deleted. VCF-style (leftmost placement, unchanged base first): chrX-48902776-TCA-T. GRCh37 (hg19) VCF-style: chrX-48760053-TCA-T.
Other names: c.623_624del, p.Ser208fs (NM_001032381.2, NM_001032383.2, NM_001032384.1 and 1 more transcripts); c.620_621del, p.Ser207fs (NM_001167989.2); c.599_600del, p.Ser200fs (NM_001167990.2); c.323_324del, p.Ser108fs (NM_001167992.1); c.338_339del, p.Ser113fs (NM_144495.3); c.623_624delCA (NM_005710.2); short protein forms S108fs, S113fs, S200fs, S207fs, S208fs.
Identifiers: ClinVar variation 423131 (VCV000423131.9), dbSNP rs1064796253, ClinGen allele CA16621421.
Genomic context (GRCh38, chrX:48,902,776, plus strand): 5'-CCTGCCACTTCCACAGCAGTAAGCCGAAAGGATGAAGAGTTAGACCCCATGGACCCTAGC[TCA>T]TACTCAGACGCCCCCCGGTAAGTGACAACCCCTCTTGACTCAGTACGTGGACACCATCCT-3'

ClinVar aggregate classification (germline): Pathogenic/Likely pathogenic. Review status: criteria provided, multiple submitters, no conflicts (2 of 4 stars). 2 submissions from 2 submitters: Pathogenic (1); Likely pathogenic (1). Last evaluated 2021-05-17.

Submissions (2):

Labcorp Genetics (formerly Invitae), Labcorp
Classification: Pathogenic. Last evaluated: 2021-05-17. Review status: criteria provided, single submitter. Criteria: Invitae Variant Classification Sherloc (09022015). Collection method: clinical testing. Allele origin: germline.
Comment: For these reasons, this variant has been classified as Pathogenic. This variant disrupts the C-terminus of the PQBP1 protein. Other variant(s) that disrupt this region (p.Asp211Argfs*16) have been determined to be pathogenic (PMID: 21315190, Invitae). This suggests that variants that disrupt this region of the protein are likely to be causative of disease. This variant has not been reported in the literature in individuals with PQBP1-related conditions. ClinVar contains an entry for this variant (Variation ID: 423131). This variant is not present in population databases (ExAC no frequency). This sequence change creates a premature translational stop signal (p.Ser208Leufs*18) in the PQBP1 gene. While this is not anticipated to result in nonsense mediated decay, it is expected to disrupt the last 58 amino acid(s) of the PQBP1 protein.

GeneDx
Classification: Likely pathogenic. Last evaluated: 2017-02-07. Review status: criteria provided, single submitter. Criteria: GeneDx Variant Classification (06012015). Collection method: clinical testing. Allele origin: germline. Affected: yes.
Comment: The c.623_624delCA variant in the PQBP1 gene has not been reported previously as a pathogenic variant nor as a benign variant, to our knowledge. The c.623_624delCA variant causes a frameshift starting with codon Serine 208, changes this amino acid to a Leucine residue, and creates a premature Stop codon at position 18 of the new reading frame, denoted p.Ser208LeufsX18. This variant is predicted to cause loss of normal protein function through protein truncation. The c.623_624delCA variant is not observed in large population cohorts (Lek et al., 2016; 1000 Genomes Consortium et al., 2015; Exome Variant Server). We interpret c.623_624delCA as a likely pathogenic variant.

Literature cited by the submitters: PubMed 21315190 (cited by Labcorp Genetics (formerly Invitae), Labcorp).